The following is an entry in ClinVar:

NM_014008.5(CCDC22):c.770G>A (p.Arg257His)

Gene: CCDC22 (CCC complex scaffolding subunit CCDC22; plus strand). Cytogenetic location: Xp11.23.
Variant type: single nucleotide variant.
Coding change: c.770G>A on transcript NM_014008.5 (MANE Select); coding-DNA position 770, G replaced by A.
Protein change: p.Arg257His; replaces arginine 257 with histidine.
Molecular consequence: missense variant.
Genome position (GRCh38, 1-based): chrX:49,246,786, G>A. VCF-style: chrX-49246786-G-A. GRCh37 (hg19) VCF-style: chrX-49103247-G-A.
Other names: short protein forms R257H.
Identifiers: ClinVar variation 421773 (VCV000421773.4), dbSNP rs782333944, ClinGen allele CA10411324.

ClinVar aggregate classification (germline): Uncertain significance. Review status: criteria provided, multiple submitters, no conflicts (2 of 4 stars). 2 submissions from 2 submitters: Uncertain significance (2). Last evaluated 2025-10-28.

Allele frequency attached by ClinVar (database versions not stated): TOPMed 0.00003; ExAC 0.00011; gnomAD 0.00001; gnomAD exomes 0.00001 and 0.00004.
gnomAD v4.1: 17 of 1,187,990 alleles (0.0014%); highest among the groups gnomAD compares: Admixed American, 0.0092%; no homozygotes.

Submissions (2):

Ambry Genetics
Classification: Uncertain significance. Last evaluated: 2025-10-28. Review status: criteria provided, single submitter. Criteria: Ambry Variant Classification Scheme 2023. Collection method: clinical testing. Allele origin: germline.

GeneDx
Classification: Uncertain significance. Last evaluated: 2020-04-02. Review status: criteria provided, single submitter. Criteria: GeneDx Variant Classification Process June 2021. Collection method: clinical testing. Allele origin: germline. Affected: yes.
Comment: In silico analysis supports that this missense variant has a deleterious effect on protein structure/function; Has not been previously published as pathogenic or benign to our knowledge